The following is an entry in ClinVar:

ClinVar aggregate classification (germline): Conflicting classifications of pathogenicity. Review status: criteria provided, conflicting classifications (1 of 4 stars). 6 submissions from 6 submitters: Likely pathogenic (3); Uncertain significance (2). 1 of the submissions does not count toward it. Last evaluated 2025-10-18.

Conditions:
BRCA2-related cancer predisposition. Identifiers: MedGen CN377758, MONDO:0700269.
Hereditary cancer-predisposing syndrome. Also called: Hereditary Cancer Syndrome; Neoplastic Syndromes, Hereditary; Hereditary neoplastic syndrome; Tumor predisposition. Identifiers: Orphanet 140162, MedGen C0027672, MeSH D009386, MONDO:0015356.
Hereditary breast ovarian cancer syndrome. Also called: Breast and ovarian cancer; Hereditary breast and ovarian cancer syndrome; Hereditary breast and ovarian cancer syndrome (HBOC); BRCA1- and BRCA2-Associated Hereditary Breast and Ovarian Cancer; Hereditary breast and ovarian cancer; Hereditary breast and/or ovarian cancer syndrome. Identifiers: Orphanet 145, MedGen C0677776, MeSH D061325, MONDO:0003582. Disease mechanism: loss of function.
Breast-ovarian cancer, familial, susceptibility to, 2 (BROVCA2). Also called: BRCA2 Hereditary Breast and Ovarian Cancer. Identifiers: Orphanet 145, MedGen C2675520, MONDO:0012933, OMIM 612555. Disease mechanism: loss of function.

gnomAD v4.1: 1 of 1,601,910 alleles (0.000062%); highest among the groups gnomAD compares: East Asian, 0.0022%; no homozygotes.

Submissions (6):

Ambry Genetics
Classification: Likely pathogenic for Hereditary cancer-predisposing syndrome. Last evaluated: 2025-10-18. Review status: criteria provided, single submitter. Criteria: Ambry Variant Classification Scheme 2023. Collection method: clinical testing. Allele origin: germline.
Comment: The c.517G>T variant (also known as p.G173C) is located in coding exon 6 of the BRCA2 gene. The glycine at codon 173 is replaced by cysteine, an amino acid with highly dissimilar properties. This change occurs in the first base pair of coding exon 6. This alteration has been observed in multiple breast and/or ovarian cancer cohorts from multiple ethnic backgrounds (Solano AR et al. Oncotarget, 2017 Sep;8:60487-60495; El Saghir NS et al. Oncologist, 2015 Apr;20:357-64; Kang E et al. Breast Cancer Res Treat, 2015 May;151:157-68). This nucleotide and amino acid position is highly conserved in available vertebrate species. In silico splice site analysis predicts that this alteration may weaken the native splice acceptor site. This alteration results in complete coding exon 6 skipping (also known as Exon 7 in the literature) in multiple minigene assays (Gaildrat P et al. J. Med. Genet. 2012 Oct;49:609-17; Fraile-Bethencourt E et al. J Pathol, 2019 08;248:409-420). RNA studies have demonstrated that this alteration results in abnormal splicing in the set of samples tested (Ambry internal data). Another alteration impacting the same nucleotide position (c.517G>C) also causes the same splice defect (Ambry internal data; Baert A et al. Hum. Mutat. 2017 Dec). Yet another close-match alteration at this same acceptor site, BRCA2 c.517-2A>G, has been identified in a compound heterozygous and homozygous state in patients with Fanconi Anemia (Leach M et al. Practical Flow Cytometry in Hematology: 100 worked examples. 321-324; 2015; Muramatsu H et al. Genet. Med., 2017 07;19:796-802). BRCA2 c.517-2A>G also demonstrates an intermediate effect in a mouse embryonic stem cell survival and subsequent homology-directed DNA repair assays. Clinical and functional data collectively support BRCA2 c.517-2A>G as a likely hypomorphic variant (Mesman RLS et al. Genet Med, 2020 08;22:1355-1365). BRCA2 c.517-2A>G has a similar splice defect as this variant (Ambry internal data; Houdayer C et al. Hum Mut. 2012; 33:1228&ndash;38; Fraile-Bethencourt E et al. J. Pathol. 2019 08;248(4):409-420). Based on the majority of available evidence to date, this variant is likely to be pathogenic. However, because a variant with a similar splicing profile as this variant is functionally hypomorphic and has been identified in multiple patients with Fanconi Anemia it may be similarly hypomorphic and thus, carriers of this variant and their families may present with reduced risks, and not with the typical clinical characteristics of a high-risk pathogenic BRCA2 alteration. As risk estimates are unknown at this time, clinical correlation is advised.

Hema, HEMA – Genetic and Molecular Diagnostic Laboratory
Classification: Likely pathogenic for BRCA2-related cancer predisposition. Last evaluated: 2025-03-06. Review status: criteria provided, single submitter. Criteria: HEMA Variant Classification Assertion Criteria. Collection method: clinical testing. Allele origin: germline.
Comment: The c.517G>T variant is a transversion from guanine to thymine in the first nucleotide of exon 7 of BRCA2. While it results in an amino acid change, the variant also affects splicing of BRCA2. PVS1 (RNA): The c.517G>T variant causes exon 7/27 skipping in BRCA2 (PMID: 22962691, 30883759), resulting in a frameshift and a premature stop codon, which is predicted to lead to nonsense-mediated decay (NMD) of the transcript in a gene for which loss of function is a disease mechanism. PM2_Supporting: Absent in gnomAD v2.1 non-cancer and gnomAD v3.1 non-cancer.

Color Diagnostics, LLC DBA Color Health
Classification: Likely pathogenic for Hereditary cancer-predisposing syndrome. Last evaluated: 2024-06-14. Review status: criteria provided, single submitter. Criteria: ACMG Guidelines, 2015. Collection method: clinical testing. Allele origin: germline.
Comment: This variant substitutes a conserved guanine nucleotide with thymine at the first nucleotide of exon 7 in the BRCA1 gene, replacing glycine with cysteine at codon 173 of the BRCA2 protein. Computational prediction tools suggest that this variant weakens the intron 6 splice acceptor site (PMID: 35449021). Minigene RNA splicing assays have shown that this variant causes the out-of-frame splicing of exon 7, which is expected to result in an absent or non-functional protein product (PMID: 22962691, 30883759). A different variant occurring at the same nucleotide position, c.517G>C, has been shown to affect RNA splicing in carrier derived RNA (PMID: 29280214). This variant has been reported in multiple individuals affected with breast or ovarian cancer (PMID: 22962691, 25777348, 28947987, 34072659; Color internal data; UMD database). This variant has not been identified in the general population by the Genome Aggregation Database (gnomAD). Based on the available evidence, this variant is classified as Likely Pathogenic.

Labcorp Genetics (formerly Invitae), Labcorp
Classification: Uncertain significance for Hereditary breast ovarian cancer syndrome. Last evaluated: 2023-06-27. Review status: criteria provided, single submitter. Criteria: Invitae Variant Classification Sherloc (09022015). Collection method: clinical testing. Allele origin: germline.
Comment: ClinVar contains an entry for this variant (Variation ID: 51805). This missense change has been observed in individual(s) with breast cancer (PMID: 22962691, 25777348, 28947987). This variant is not present in population databases (gnomAD no frequency). This sequence change replaces glycine, which is neutral and non-polar, with cysteine, which is neutral and slightly polar, at codon 173 of the BRCA2 protein (p.Gly173Cys). It affects a nucleotide within the consensus splice site. An algorithm developed to predict the effect of missense changes on protein structure and function (PolyPhen-2) suggests that this variant is likely to be disruptive. In summary, the available evidence is currently insufficient to determine the role of this variant in disease. Therefore, it has been classified as a Variant of Uncertain Significance. Variants that disrupt the consensus splice site are a relatively common cause of aberrant splicing (PMID: 17576681, 9536098). Studies have shown that this missense change alters mRNA splicing and is expected to lead to the loss of protein expression (PMID: 30883759).

Quest Diagnostics Nichols Institute San Juan Capistrano
Classification: Uncertain significance. Last evaluated: 2016-12-30. Review status: criteria provided, single submitter. Criteria: Quest Diagnostics criteria. Collection method: clinical testing. Allele origin: germline.

Sharing Clinical Reports Project (SCRP)
Classification: Uncertain significance for Breast-ovarian cancer, familial 2. Last evaluated: 2013-02-26. Review status: no assertion criteria provided. Collection method: clinical testing. Allele origin: germline. Not counted in ClinVar's aggregate classification.

Literature cited by the submitters: PubMed 22962691 (cited by 5 submitters); PubMed 23983145 (cited by Ambry Genetics); PubMed 24586880 (cited by Ambry Genetics); PubMed 25777348 (cited by 3 submitters); PubMed 25863477 (cited by Ambry Genetics); PubMed 28947987 (cited by 3 submitters); PubMed 29280214 (cited by Ambry Genetics and Color Diagnostics, LLC DBA Color Health); PubMed 30883759 (cited by 4 submitters); PubMed 34072659 (cited by Color Diagnostics, LLC DBA Color Health); PubMed 35449021 (cited by Color Diagnostics, LLC DBA Color Health); PubMed 17576681 (cited by Labcorp Genetics (formerly Invitae), Labcorp); PubMed 9536098 (cited by Labcorp Genetics (formerly Invitae), Labcorp); PubMed 27463008 (cited by Quest Diagnostics Nichols Institute San Juan Capistrano).

NM_000059.4(BRCA2):c.517G>T (p.Gly173Cys)

Gene: BRCA2 (BRCA2 DNA repair associated; plus strand). Cytogenetic location: 13q13.1.
Variant type: single nucleotide variant.
Coding change: c.517G>T on transcript NM_000059.4 (MANE Select); coding-DNA position 517, G replaced by T.
Protein change: p.Gly173Cys; replaces glycine 173 with cysteine.
Molecular consequence: missense variant.
Genome position (GRCh38, 1-based): chr13:32,326,499, G>T. VCF-style: chr13-32326499-G-T. GRCh37 (hg19) VCF-style: chr13-32900636-G-T.
Other names: 745G>T; short protein forms G173C.
Identifiers: ClinVar variation 51805 (VCV000051805.25), dbSNP rs397507768, ClinGen allele CA021603.